The following is an entry in ClinVar:

NM_031419.4(NFKBIZ):c.283C>A (p.Gln95Lys)

Genes: NFKBIZ (NFKB inhibitor zeta; plus strand), LOC112841611 (Sharpr-MPRA regulatory region 7874; plus strand). Cytogenetic location: 3q12.3.
Variant type: single nucleotide variant.
Coding change: c.283C>A on transcript NM_031419.4 (MANE Select); coding-DNA position 283, C replaced by A.
Protein change: p.Gln95Lys; replaces glutamine 95 with lysine.
Molecular consequence: missense variant. On other transcripts: intron variant (1).
Genome position (GRCh38, 1-based): chr3:101,849,911, C>A. VCF-style: chr3-101849911-C-A. GRCh37 (hg19) VCF-style: chr3-101568755-C-A.
Other names: c.-11-2174C>A (NM_001005474.3); short protein forms Q95K.
Identifiers: ClinVar variation 3043308 (VCV003043308.2), dbSNP rs779117101, ClinGen allele CA2522752.

ClinVar aggregate classification (germline): Likely benign (0 of 4 stars; one submission).

Conditions:
NFKBIZ-related disorder. Also called: NFKBIZ-related condition.

Allele frequency attached by ClinVar (database versions not stated): 1000 Genomes Project 30x 0.00031; ExAC 0.00106; gnomAD 0.00222; TOPMed 0.00239.
gnomAD v4.1: 5,357 of 1,421,284 alleles (0.38%); highest among the groups gnomAD compares: Non-Finnish European, 0.45%; 6 homozygotes.

Submission:

PreventionGenetics, part of Exact Sciences
Classification: Likely benign for NFKBIZ-related condition. Last evaluated: 2020-06-22. Review status: no assertion criteria provided. Collection method: clinical testing. Allele origin: germline.
Comment: This variant is classified as likely benign based on ACMG/AMP sequence variant interpretation guidelines (Richards et al. 2015 PMID: 25741868, with internal and published modifications).